The following is an entry in ClinVar:

ClinVar aggregate classification (germline): Benign (1 of 4 stars; one submission).

Conditions:
Isolated focal non-epidermolytic palmoplantar keratoderma. Also called: Palmoplantar keratoderma, nonepidermolytic, focal 2. Identifiers: Orphanet 448264, MedGen C4225339, MONDO:0014622, OMIM 616400.

Allele frequency attached by ClinVar (database versions not stated): TOPMed 0.00195; 1000 Genomes Project 30x 0.00219; 1000 Genomes Project 0.00220; gnomAD 0.00173 and 0.00187.

Submission:

Illumina Laboratory Services, Illumina
Classification: Benign for Isolated focal non-epidermolytic palmoplantar keratoderma. Last evaluated: 2018-01-12. Review status: criteria provided, single submitter. Criteria: ICSL Variant Classification Criteria 13 December 2019. Collection method: clinical testing. Allele origin: germline.
Comment: This variant was observed in the ICSL laboratory as part of a predisposition screen in an ostensibly healthy population. It had not been previously curated by ICSL or reported in the Human Gene Mutation Database (HGMD: prior to June 1st, 2018), and was therefore a candidate for classification through an automated scoring system. Utilizing variant allele frequency, disease prevalence and penetrance estimates, and inheritance mode, an automated score was calculated to assess if this variant is too frequent to cause the disease. Based on the score and internal cut-off values, a variant classified as benign is not then subjected to further curation. The score for this variant resulted in a classification of benign for this disease.

NM_145068.4(TRPV3):c.*2072A>C

Genes: SPATA22 (spermatogenesis associated 22; minus strand), TRPV3 (transient receptor potential cation channel subfamily V member 3; minus strand). Cytogenetic location: 17p13.2.
Variant type: single nucleotide variant.
Coding change: c.*2072A>C on transcript NM_145068.4 (MANE Select); 2072 bases downstream of the stop codon, A replaced by C.
Molecular consequence: 3 prime UTR variant. On other transcripts: intron variant (2).
Genome position (GRCh38, 1-based): chr17:3,511,845, T>G on the plus strand (A>C on the coding strand, the complement: TRPV3 is on the minus strand). VCF-style: chr17-3511845-T-G. GRCh37 (hg19) VCF-style: chr17-3415139-T-G.
Other names: c.*2072A>C (NM_001258205.2); c.-74+1567A>C (NM_001321336.2, NM_001321337.2).
Identifiers: ClinVar variation 322703 (VCV000322703.7), dbSNP rs575890184, ClinGen allele CA10649871.